The following is an entry in ClinVar:

ClinVar aggregate classification (germline): Benign (1 of 4 stars; one submission).

Conditions:
Leukodystrophy, hypomyelinating, 7, with or without oligodontia and/or hypogonadotropic hypogonadism (HLD7). Also called: LEUKOENCEPHALOPATHY, HYPOMYELINATING, WITH ATAXIA AND DELAYED DENTITION; ATAXIA, DELAYED DENTITION, AND HYPOMYELINATION; LEUKODYSTROPHY, HYPOMYELINATING, 7, WITH OLIGODONTIA; LEUKODYSTROPHY, HYPOMYELINATING, 7, WITH OLIGODONTIA AND HYPOGONADOTROPIC HYPOGONADISM; LEUKODYSTROPHY, HYPOMYELINATING, 7, WITHOUT OLIGODONTIA OR HYPOGONADOTROPIC HYPOGONADISM; Ataxia, Delayed Dentition and Hypomyelination (ADDH). Identifiers: Orphanet 137639, Orphanet 447893, Orphanet 447896, Orphanet 77295, Orphanet 88637, MedGen CN034185, MONDO:0011897, OMIM 607694.

Allele frequency attached by ClinVar (database versions not stated): gnomAD 0.03578 and 0.03839; 1000 Genomes Project 0.03954; TOPMed 0.04035.

Submission:

Illumina Laboratory Services, Illumina
Classification: Benign for Leukodystrophy, hypomyelinating, 7, with or without oligodontia and/or hypogonadotropic hypogonadism. Last evaluated: 2018-01-12. Review status: criteria provided, single submitter. Criteria: ICSL Variant Classification Criteria 13 December 2019. Collection method: clinical testing. Allele origin: germline.
Comment: This variant was observed in the ICSL laboratory as part of a predisposition screen in an ostensibly healthy population. It had not been previously curated by ICSL or reported in the Human Gene Mutation Database (HGMD: prior to June 1st, 2018), and was therefore a candidate for classification through an automated scoring system. Utilizing variant allele frequency, disease prevalence and penetrance estimates, and inheritance mode, an automated score was calculated to assess if this variant is too frequent to cause the disease. Based on the score and internal cut-off values, a variant classified as benign is not then subjected to further curation. The score for this variant resulted in a classification of benign for this disease.

NM_007055.4(POLR3A):c.*1448A>G

Gene: POLR3A (RNA polymerase III subunit A; minus strand). Cytogenetic location: 10q22.3.
Variant type: single nucleotide variant.
Coding change: c.*1448A>G on transcript NM_007055.4 (MANE Select); 1448 bases downstream of the stop codon, A replaced by G.
Molecular consequence: 3 prime UTR variant.
Genome position (GRCh38, 1-based): chr10:77,976,030, T>C on the plus strand (A>G on the coding strand, the complement: POLR3A is on the minus strand). VCF-style: chr10-77976030-T-C. GRCh37 (hg19) VCF-style: chr10-79735788-T-C.
Identifiers: ClinVar variation 301007 (VCV000301007.5), dbSNP rs78703311, ClinGen allele CA10636056.